The following is an entry in ClinVar:

NM_001080449.3(DNA2):c.2208+259T>C

Gene: DNA2 (DNA replication helicase/nuclease 2; minus strand). Cytogenetic location: 10q21.3.
Variant type: single nucleotide variant.
Coding change: c.2208+259T>C on transcript NM_001080449.3 (MANE Select); 259 bases into the intron after coding-DNA position 2208, T replaced by C.
Molecular consequence: intron variant.
Genome position (GRCh38, 1-based): chr10:68,430,177, A>G on the plus strand (T>C on the coding strand, the complement: DNA2 is on the minus strand). VCF-style: chr10-68430177-A-G. GRCh37 (hg19) VCF-style: chr10-70189934-A-G.
Identifiers: ClinVar variation 671067 (VCV000671067.1), dbSNP rs10823195, ClinGen allele CA208199066.

ClinVar aggregate classification (germline): Benign (1 of 4 stars; one submission).

Allele frequency attached by ClinVar (database versions not stated): gnomAD 0.12759 and 0.12782; TOPMed 0.13299; 1000 Genomes Project 30x 0.15287; 1000 Genomes Project 0.15495.
gnomAD v4.1: 19,381 of 151,996 alleles (13%); highest among the groups gnomAD compares: East Asian, 25%; 1,477 homozygotes.

Submission:

GeneDx
Classification: Benign. Last evaluated: 2018-06-16. Review status: criteria provided, single submitter. Criteria: GeneDx Variant Classification (06012015). Collection method: clinical testing. Allele origin: germline. Affected: yes.
Comment: This variant is considered likely benign or benign based on one or more of the following criteria: it is a conservative change, it occurs at a poorly conserved position in the protein, it is predicted to be benign by multiple in silico algorithms, and/or has population frequency not consistent with disease.